The following is an entry in ClinVar:

NM_014516.4(CNOT3):c.2209A>G (p.Lys737Glu)

Genes: CNOT3 (CCR4-NOT transcription complex subunit 3; plus strand), LENG1 (leukocyte receptor cluster member 1; minus strand). Cytogenetic location: 19q13.42.
Variant type: single nucleotide variant.
Coding change: c.2209A>G on transcript NM_014516.4 (MANE Select); coding-DNA position 2209, A replaced by G.
Protein change: p.Lys737Glu; replaces lysine 737 with glutamic acid.
Molecular consequence: missense variant. On other transcripts: 3 prime UTR variant (1).
Genome position (GRCh38, 1-based): chr19:54,155,354, A>G. VCF-style: chr19-54155354-A-G. GRCh37 (hg19) VCF-style: chr19-54659092-A-G.
Other names: c.*367T>C (NM_024316.3); short protein forms K737E.
Identifiers: ClinVar variation 2504169 (VCV002504169.1), dbSNP rs2514644148, ClinGen allele CA407772597.

ClinVar aggregate classification (germline): Likely pathogenic (1 of 4 stars; one submission).

Conditions:
Intellectual developmental disorder with speech delay, autism, and dysmorphic facies. Identifiers: MedGen C5231456, MONDO:0032864, OMIM 618672.

Allele frequency attached by ClinVar (database versions not stated): gnomAD exomes below 0.00001.
gnomAD v4.1: 1 of 1,613,340 alleles (0.000062%); highest among the groups gnomAD compares: Non-Finnish European, 0.000085%; no homozygotes.

Submission:

Institute of Human Genetics, FAU Erlangen, Friedrich-Alexander-Universität Erlangen-Nürnberg
Classification: Likely pathogenic for Intellectual developmental disorder with speech delay, autism, and dysmorphic facies. Last evaluated: 2023-06-07. Review status: criteria provided, single submitter. Criteria: Hauer et al. (Genet Med. 2018). Collection method: clinical testing. Allele origin: germline. Inheritance: Autosomal dominant inheritance. Affected: yes. Observed: 1 variant allele.
Comment: This variant has been identified by standard clinical testing. de novo Selected ACMG criteria: Likely pathogenic (II):PP3;PP2;PM2;PS2